The following is an entry in ClinVar:

NM_001112741.2(KCNC1):c.1261G>A (p.Ala421Thr)

Gene: KCNC1 (potassium voltage-gated channel subfamily C member 1; plus strand). Cytogenetic location: 11p15.1.
Variant type: single nucleotide variant.
Coding change: c.1261G>A on transcript NM_001112741.2 (MANE Select); coding-DNA position 1261, G replaced by A.
Protein change: p.Ala421Thr; replaces alanine 421 with threonine.
Molecular consequence: missense variant.
Genome position (GRCh38, 1-based): chr11:17,772,355, G>A. VCF-style: chr11-17772355-G-A. GRCh37 (hg19) VCF-style: chr11-17793902-G-A.
Other names: c.1261G>A, p.Ala421Thr (NM_004976.4); short protein forms A421T.
Identifiers: ClinVar variation 566539 (VCV000566539.9), dbSNP rs1565162836, ClinGen allele CA379808870.

ClinVar aggregate classification (germline): Uncertain significance (1 of 4 stars; one submission).

Conditions:
Progressive myoclonic epilepsy type 7. Identifiers: Orphanet 435438, MedGen C4015420, MONDO:0014521, OMIM 616187.

Submission:

Labcorp Genetics (formerly Invitae), Labcorp
Classification: Uncertain significance for Progressive myoclonic epilepsy type 7. Last evaluated: 2018-04-03. Review status: criteria provided, single submitter. Criteria: Invitae Variant Classification Sherloc (09022015). Collection method: clinical testing. Allele origin: germline.
Comment: This sequence change replaces alanine with threonine at codon 421 of the KCNC1 protein (p.Ala421Thr). The alanine residue is highly conserved and there is a small physicochemical difference between alanine and threonine. This variant is not present in population databases (ExAC no frequency). This variant has not been reported in the literature in individuals with KCNC1-related disease. Algorithms developed to predict the effect of missense changes on protein structure and function (SIFT, PolyPhen-2, Align-GVGD) all suggest that this variant is likely to be disruptive, but these predictions have not been confirmed by published functional studies and their clinical significance is uncertain. In summary, the available evidence is currently insufficient to determine the role of this variant in disease. Therefore, it has been classified as a Variant of Uncertain Significance.